The following is an entry in ClinVar:

ClinVar aggregate classification (germline): Uncertain significance. Review status: criteria provided, multiple submitters, no conflicts (2 of 4 stars). 2 submissions from 2 submitters: Uncertain significance (2). Last evaluated 2025-12-14.

Conditions:
Inborn genetic diseases. Identifiers: MedGen C0950123, MeSH D030342.
Epidermolysis bullosa simplex 5B, with muscular dystrophy (EBS5B). Also called: Epidermolysis bullosa simplex with muscular dystrophy; EPIDERMOLYSIS BULLOSA SIMPLEX AND LIMB-GIRDLE MUSCULAR DYSTROPHY. Identifiers: Orphanet 257, MedGen C2931072, MONDO:0009181, OMIM 226670.
Epidermolysis bullosa simplex, Ogna type (EBS5A). Also called: Pidermolysis bullosa simplex 5A, Ogna type; EPIDERMOLYSIS BULLOSA SIMPLEX 5A, OGNA TYPE. Identifiers: Orphanet 79401, MedGen C0432317, MONDO:0007555, OMIM 131950.
Epidermolysis bullosa simplex 5C, with pyloric atresia (EBS5C). Also called: PLEC-Related Epidermolysis Bullosa with Pyloric Atresia; Epidermolysis bullosa simplex with pyloric atresia; PLEC1-Related Epidermolysis Bullosa with Pyloric Atresia. Identifiers: Orphanet 158684, MedGen C2677349, MONDO:0012807, OMIM 612138.
Autosomal recessive limb-girdle muscular dystrophy type 2Q (LGMDR17). Also called: MUSCULAR DYSTROPHY, LIMB-GIRDLE, AUTOSOMAL RECESSIVE 17. Identifiers: Orphanet 254361, MedGen C3150989, MONDO:0013390, OMIM 613723.
Epidermolysis bullosa simplex with nail dystrophy (EBS5D). Identifiers: MedGen C4225309, MONDO:0014661, OMIM 616487.

Allele frequency attached by ClinVar (database versions not stated): TOPMed below 0.00001; ExAC 0.00001; gnomAD exomes 0.00001.
gnomAD v4.1: 10 of 1,610,502 alleles (0.00062%); highest among the groups gnomAD compares: Non-Finnish European, 0.00076%; no homozygotes.

Submissions (2):

Labcorp Genetics (formerly Invitae), Labcorp
Classification: Uncertain significance for Autosomal recessive limb-girdle muscular dystrophy type 2Q; Epidermolysis bullosa simplex, Ogna type; Epidermolysis bullosa simplex with nail dystrophy; Epidermolysis bullosa simplex 5C, with pyloric atresia; Epidermolysis bullosa simplex 5B, with muscular dystrophy. Last evaluated: 2025-12-14. Review status: criteria provided, single submitter. Criteria: Invitae Variant Classification Sherloc (09022015). Collection method: clinical testing. Allele origin: germline.
Comment: This sequence change replaces threonine, which is neutral and polar, with proline, which is neutral and non-polar, at codon 2350 of the PLEC protein (p.Thr2350Pro). This variant is present in population databases (rs781842939, gnomAD 0.0009%). This variant has not been reported in the literature in individuals affected with PLEC-related conditions. ClinVar contains an entry for this variant (Variation ID: 2042069). An algorithm developed to predict the effect of missense changes on protein structure and function (PolyPhen-2) suggests that this variant is likely to be disruptive. In summary, the available evidence is currently insufficient to determine the role of this variant in disease. Therefore, it has been classified as a Variant of Uncertain Significance.

Ambry Genetics
Classification: Uncertain significance for Inborn genetic diseases. Last evaluated: 2025-11-19. Review status: criteria provided, single submitter. Criteria: Ambry Variant Classification Scheme 2023. Collection method: clinical testing. Allele origin: germline.

NM_201384.3(PLEC):c.6967A>C (p.Thr2323Pro)

Gene: PLEC (plectin; minus strand). Cytogenetic location: 8q24.3.
Variant type: single nucleotide variant.
Coding change: c.6967A>C on transcript NM_201384.3 (MANE Select); coding-DNA position 6967, A replaced by C.
Protein change: p.Thr2323Pro; replaces threonine 2323 with proline.
Molecular consequence: missense variant.
Genome position (GRCh38, 1-based): chr8:143,922,962, T>G on the plus strand (A>C on the coding strand, the complement: PLEC is on the minus strand). VCF-style: chr8-143922962-T-G. GRCh37 (hg19) VCF-style: chr8-144997130-T-G.
Other names: c.7048A>C, p.Thr2350Pro (NM_000445.5); c.6925A>C, p.Thr2309Pro (NM_201378.4); c.6901A>C, p.Thr2301Pro (NM_201379.3); c.7378A>C, p.Thr2460Pro (NM_201380.4); c.6871A>C, p.Thr2291Pro (NM_201381.3); c.6967A>C, p.Thr2323Pro (NM_201382.4); c.6979A>C, p.Thr2327Pro (NM_201383.3); c.7048A>C (NM_000445.3); short protein forms T2323P, T2460P, T2301P, T2309P, T2327P, T2291P, T2350P.
Identifiers: ClinVar variation 2042069 (VCV002042069.5), dbSNP rs781842939, ClinGen allele CA4925797.
Genomic context (GRCh38, chr8:143,922,962, plus strand): 5'-CCTGCTCCTGCGCAAGCTCCTTCTGCTGCTGCAGCAGTTCCGCCTCAGCCTTGAGTCGCG[T>G]GGCCTCCTGCACCGCCTGCATCTTCTCCTTGAGCATCTTCTCTGCCAAGGCCCGCTGCTG-3'
Protein context (NP_958786.1, residues 2313-2333): KEKMQAVQEA[Thr2323Pro]RLKAEAELLQ